The following is an entry in ClinVar:

NM_003073.5(SMARCB1):c.466A>G (p.Met156Val)

Gene: SMARCB1 (SWI/SNF related BAF chromatin remodeling complex subunit B1; plus strand). Cytogenetic location: 22q11.23.
Variant type: single nucleotide variant.
Coding change: c.466A>G on transcript NM_003073.5 (MANE Select); coding-DNA position 466, A replaced by G.
Protein change: p.Met156Val; replaces methionine 156 with valine.
Molecular consequence: missense variant.
Genome position (GRCh38, 1-based): chr22:23,801,047, A>G. VCF-style: chr22-23801047-A-G. GRCh37 (hg19) VCF-style: chr22-24143234-A-G.
Other names: c.466A>G (LRG_520t1); c.466A>G, p.Met156Val (NM_001362877.2); c.439A>G, p.Met147Val (NM_001007468.3, NM_001317946.2); short protein forms M156V, M147V.
Identifiers: ClinVar variation 410711 (VCV000410711.13), dbSNP rs540120954, ClinGen allele CA10145921.

ClinVar aggregate classification (germline): Uncertain significance. Review status: criteria provided, multiple submitters, no conflicts (2 of 4 stars). 2 submissions from 2 submitters: Uncertain significance (2). Last evaluated 2026-01-31.

Conditions:
Hereditary cancer-predisposing syndrome. Also called: Tumor predisposition; Hereditary Cancer Syndrome; Hereditary neoplastic syndrome; Neoplastic Syndromes, Hereditary. Identifiers: Orphanet 140162, MedGen C0027672, MeSH D009386, MONDO:0015356.

Allele frequency attached by ClinVar (database versions not stated): gnomAD exomes below 0.00001; ExAC 0.00001.

Submissions (2):

Labcorp Genetics (formerly Invitae), Labcorp
Classification: Uncertain significance. Last evaluated: 2026-01-31. Review status: criteria provided, single submitter. Criteria: Invitae Variant Classification Sherloc (09022015). Collection method: clinical testing. Allele origin: germline.
Comment: This sequence change replaces methionine, which is neutral and non-polar, with valine, which is neutral and non-polar, at codon 156 of the SMARCB1 protein (p.Met156Val). This variant is present in population databases (rs540120954, gnomAD 0.0009%). This variant has not been reported in the literature in individuals affected with SMARCB1-related conditions. ClinVar contains an entry for this variant (Variation ID: 410711). Invitae Evidence Modeling of protein sequence and biophysical properties (such as structural, functional, and spatial information, amino acid conservation, physicochemical variation, residue mobility, and thermodynamic stability) indicates that this missense variant is not expected to disrupt SMARCB1 protein function with a negative predictive value of 80%. In summary, the available evidence is currently insufficient to determine the role of this variant in disease. Therefore, it has been classified as a Variant of Uncertain Significance.

Ambry Genetics
Classification: Uncertain significance for Hereditary cancer-predisposing syndrome. Last evaluated: 2025-01-15. Review status: criteria provided, single submitter. Criteria: Ambry Variant Classification Scheme 2023. Collection method: clinical testing. Allele origin: germline.
Comment: The p.M156V variant (also known as c.466A>G), located in coding exon 4 of the SMARCB1 gene, results from an A to G substitution at nucleotide position 466. The methionine at codon 156 is replaced by valine, an amino acid with highly similar properties. This amino acid position is well conserved in available vertebrate species. In addition, the in silico prediction for this alteration is inconclusive. Based on the available evidence, the clinical significance of this variant remains unclear.